The following is an entry in ClinVar:

ClinVar aggregate classification (germline): Uncertain significance (1 of 4 stars; one submission).

Allele frequency attached by ClinVar (database versions not stated): gnomAD exomes 0.00001; TOPMed below 0.00001.
gnomAD v4.1: 3 of 1,211,894 alleles (0.00025%); highest among the groups gnomAD compares: Admixed American, 0.0022%; no homozygotes.

Submission:

Labcorp Genetics (formerly Invitae), Labcorp
Classification: Uncertain significance. Last evaluated: 2025-12-09. Review status: criteria provided, single submitter. Criteria: Invitae Variant Classification Sherloc (09022015). Collection method: clinical testing. Allele origin: germline.
Comment: This sequence change replaces arginine, which is basic and polar, with tryptophan, which is neutral and slightly polar, at codon 337 of the ATP6AP1 protein (p.Arg337Trp). This variant is not present in population databases (gnomAD no frequency). This variant has not been reported in the literature in individuals affected with ATP6AP1-related conditions. ClinVar contains an entry for this variant (Variation ID: 2824045). Invitae Evidence Modeling of protein sequence and biophysical properties (such as structural, functional, and spatial information, amino acid conservation, physicochemical variation, residue mobility, and thermodynamic stability) indicates that this missense variant is expected to disrupt ATP6AP1 protein function with a positive predictive value of 80%. In summary, the available evidence is currently insufficient to determine the role of this variant in disease. Therefore, it has been classified as a Variant of Uncertain Significance.

NM_001183.6(ATP6AP1):c.1009C>T (p.Arg337Trp)

Gene: ATP6AP1 (ATPase H+ transporting accessory protein 1; plus strand). Cytogenetic location: Xq28.
Variant type: single nucleotide variant.
Coding change: c.1009C>T on transcript NM_001183.6 (MANE Select); coding-DNA position 1009, C replaced by T.
Protein change: p.Arg337Trp; replaces arginine 337 with tryptophan.
Molecular consequence: missense variant.
Genome position (GRCh38, 1-based): chrX:154,435,311, C>T. VCF-style: chrX-154435311-C-T. GRCh37 (hg19) VCF-style: chrX-153663657-C-T.
Other names: short protein forms R337W.
Identifiers: ClinVar variation 2824045 (VCV002824045.3), dbSNP rs2068713251, ClinGen allele CA415195350.